The following is an entry in ClinVar:

ClinVar aggregate classification (germline): Uncertain significance. Review status: criteria provided, multiple submitters, no conflicts (2 of 4 stars). 3 submissions from 3 submitters: Uncertain significance (2). 1 of the submissions does not count toward it. Last evaluated 2024-12-13.

Conditions:
Cardiovascular phenotype. Identifiers: MedGen CN230736.
TNXB-related disorder. Also called: TNXB-related condition.

Allele frequency attached by ClinVar (database versions not stated): ExAC 0.00002; ESP Exome Variant Server 0.00008; TOPMed 0.00009; gnomAD exomes 0.00004; gnomAD 0.00013.
gnomAD v4.1: 77 of 1,613,798 alleles (0.0048%); highest among the groups gnomAD compares: African/African-American, 0.02%; no homozygotes.

Submissions (3):

GeneDx
Classification: Uncertain significance. Last evaluated: 2024-12-13. Review status: criteria provided, single submitter. Criteria: GeneDx Variant Classification Process June 2021. Collection method: clinical testing. Allele origin: germline. Affected: yes.
Comment: In silico analysis indicates that this missense variant does not alter protein structure/function; Has not been previously published as pathogenic or benign to our knowledge

Ambry Genetics
Classification: Uncertain significance for Cardiovascular phenotype. Last evaluated: 2024-11-14. Review status: criteria provided, single submitter. Criteria: Ambry Variant Classification Scheme 2023. Collection method: clinical testing. Allele origin: germline.

PreventionGenetics, part of Exact Sciences
Classification: Uncertain significance for TNXB-related condition. Last evaluated: 2024-02-28. Review status: no assertion criteria provided. Collection method: clinical testing. Allele origin: germline. Not counted in ClinVar's aggregate classification.
Comment: The TNXB c.5983G>A variant is predicted to result in the amino acid substitution p.Val1995Met. To our knowledge, this variant has not been reported in the literature. This variant is reported in 0.021% of alleles in individuals of African descent in gnomAD. At this time, the clinical significance of this variant is uncertain due to the absence of conclusive functional and genetic evidence.

NM_001365276.2(TNXB):c.5983G>A (p.Val1995Met)

Gene: TNXB (tenascin XB; minus strand). Cytogenetic location: 6p21.33.
Variant type: single nucleotide variant.
Coding change: c.5983G>A on transcript NM_001365276.2 (MANE Select); coding-DNA position 5983, G replaced by A.
Protein change: p.Val1995Met; replaces valine 1995 with methionine.
Molecular consequence: missense variant.
Genome position (GRCh38, 1-based): chr6:32,068,627, C>T on the plus strand (G>A on the coding strand, the complement: TNXB is on the minus strand). VCF-style: chr6-32068627-C-T. GRCh37 (hg19) VCF-style: chr6-32036404-C-T.
Other names: c.5983G>A, p.Val1995Met (NM_019105.8); short protein forms V1995M.
Identifiers: ClinVar variation 3051886 (VCV003051886.4), dbSNP rs368401231, ClinGen allele CA3734555.